The following is an entry in ClinVar:

NM_000051.4(ATM):c.4758_4759del (p.Pro1587fs)

Gene: ATM (ATM serine/threonine kinase; plus strand). Cytogenetic location: 11q22.3.
Variant type: Deletion.
Coding change: c.4758_4759del on transcript NM_000051.4 (MANE Select); coding-DNA positions 4758 to 4759, 2 bases deleted (AC; older notation c.4758_4759delAC).
Protein change: p.Pro1587fs; shifts the reading frame from proline 1587.
Molecular consequence: frameshift variant.
Genome position (GRCh38, 1-based): chr11:108,293,459-108,293,460, AC deleted. VCF-style (leftmost placement, unchanged base first): chr11-108293458-GAC-G. GRCh37 (hg19) VCF-style: chr11-108164185-GAC-G.
Other names: c.4758_4759del, p.Pro1587fs (NM_001351834.2); short protein forms P1587fs.
Identifiers: ClinVar variation 2727011 (VCV002727011.3), dbSNP rs2546932342, ClinGen allele CA2697558847.

ClinVar aggregate classification (germline): Pathogenic (1 of 4 stars; one submission).

Conditions:
Ataxia-telangiectasia syndrome (AT). Also called: Cerebello-oculocutaneous telangiectasia; Immunodeficiency with ataxia telangiectasia; Ataxia-telangiectasia, complementation group E; Ataxia-telangiectasia, complementation group D; AT, COMPLEMENTATION GROUP C; ATAXIA-TELANGIECTASIA, COMPLEMENTATION GROUP A. Identifiers: Orphanet 100, MedGen C0004135, MONDO:0008840, OMIM 208900.

Submission:

Labcorp Genetics (formerly Invitae), Labcorp
Classification: Pathogenic for Ataxia-telangiectasia syndrome. Last evaluated: 2023-06-24. Review status: criteria provided, single submitter. Criteria: Invitae Variant Classification Sherloc (09022015). Collection method: clinical testing. Allele origin: germline.
Comment: For these reasons, this variant has been classified as Pathogenic. This variant has not been reported in the literature in individuals affected with ATM-related conditions. This variant is not present in population databases (gnomAD no frequency). This sequence change creates a premature translational stop signal (p.Pro1587Leufs*8) in the ATM gene. It is expected to result in an absent or disrupted protein product. Loss-of-function variants in ATM are known to be pathogenic (PMID: 23807571, 25614872).

Literature cited by the submitters: PubMed 23807571; PubMed 25614872.